The following is an entry in ClinVar:

NM_007294.4(BRCA1):c.230C>A (p.Thr77Lys)

Gene: BRCA1 (BRCA1 DNA repair associated; minus strand). Cytogenetic location: 17q21.31.
Variant type: single nucleotide variant.
Coding change: c.230C>A on transcript NM_007294.4 (MANE Select); coding-DNA position 230, C replaced by A.
Protein change: p.Thr77Lys; replaces threonine 77 with lysine.
Molecular consequence: missense variant. On other transcripts: non-coding transcript variant (1).
Genome position (GRCh38, 1-based): chr17:43,104,939, G>T on the plus strand (C>A on the coding strand, the complement: BRCA1 is on the minus strand). VCF-style: chr17-43104939-G-T. GRCh37 (hg19) VCF-style: chr17-41256956-G-T.
Other names: c.230C>A, p.Thr77Lys (NM_001408495.1, NM_007298.4, NM_007299.4 and 168 more transcripts); c.89C>A, p.Thr30Lys (NM_001408496.1, NM_001408497.1, NM_001408498.1 and 99 more transcripts); c.20C>A, p.Thr7Lys (NM_001408502.1, NM_001408506.1, NM_001408507.1 and 58 more transcripts); c.-152C>A (NM_001408510.1, NM_001408512.1, NM_001407959.1 and 4 more transcripts); c.152C>A, p.Thr51Lys (NM_001407653.1, NM_001407654.1, NM_001407655.1 and 21 more transcripts); c.98C>A, p.Thr33Lys (NM_001408451.1); short protein forms T77K, T30K, T33K, T7K, T51K.
Identifiers: ClinVar variation 865304 (VCV000865304.3), dbSNP rs80357209, ClinGen allele CA10601699.

Conditions:
Breast-ovarian cancer, familial, susceptibility to, 1 (BROVCA1). Also called: BRCA1 Hereditary Breast and Ovarian Cancer; OVARIAN CANCER, SUSCEPTIBILITY TO. Identifiers: Orphanet 145, MedGen C2676676, MONDO:0011450, OMIM 604370. Disease mechanism: loss of function.

Submission:

Brotman Baty Institute, University of Washington
No classification provided (evidence only). Condition: Breast-ovarian cancer, familial 1. Review status: no classification provided. Collection method: in vitro. Allele origin: not applicable. Functional consequence: functionally_normal.
ClinVar note: "not provided" was previously submitted as the classification for the variant. However, the classification appeared to be based only on an observation of functional data so it was converted to no classification on 2025-07-30.